The following is an entry in ClinVar:

ClinVar aggregate classification (germline): Uncertain significance (1 of 4 stars; one submission).

Conditions:
Familial sleep-related hypermotor epilepsy. Also called: Autosomal Dominant Sleep-Related Hypermotor (Hyperkinetic) Epilepsy. Identifiers: Orphanet 98784, MedGen C3696898, MONDO:0000030.

gnomAD v4.1: 7 of 1,613,870 alleles (0.00043%); highest among the groups gnomAD compares: Non-Finnish European, 0.00059%; no homozygotes.

Submission:

Labcorp Genetics (formerly Invitae), Labcorp
Classification: Uncertain significance. Last evaluated: 2024-07-30. Review status: criteria provided, single submitter. Criteria: Invitae Variant Classification Sherloc (09022015). Collection method: clinical testing. Allele origin: germline.
Comment: This sequence change replaces methionine, which is neutral and non-polar, with isoleucine, which is neutral and non-polar, at codon 466 of the CHRNA2 protein (p.Met466Ile). This variant is not present in population databases (gnomAD no frequency). This variant has not been reported in the literature in individuals affected with CHRNA2-related conditions. Advanced modeling of protein sequence and biophysical properties (such as structural, functional, and spatial information, amino acid conservation, physicochemical variation, residue mobility, and thermodynamic stability) performed at Invitae indicates that this missense variant is not expected to disrupt CHRNA2 protein function with a negative predictive value of 80%. In summary, the available evidence is currently insufficient to determine the role of this variant in disease. Therefore, it has been classified as a Variant of Uncertain Significance.

NM_000742.4(CHRNA2):c.1398G>A (p.Met466Ile)

Gene: CHRNA2 (cholinergic receptor nicotinic alpha 2 subunit; minus strand). Cytogenetic location: 8p21.2.
Variant type: single nucleotide variant.
Coding change: c.1398G>A on transcript NM_000742.4 (MANE Select); coding-DNA position 1398, G replaced by A.
Protein change: p.Met466Ile; replaces methionine 466 with isoleucine.
Molecular consequence: missense variant.
Genome position (GRCh38, 1-based): chr8:27,463,045, C>T on the plus strand (G>A on the coding strand, the complement: CHRNA2 is on the minus strand). VCF-style: chr8-27463045-C-T. GRCh37 (hg19) VCF-style: chr8-27320562-C-T.
Other names: c.1353G>A, p.Met451Ile (NM_001282455.2); c.921G>A, p.Met307Ile (NM_001347705.2, NM_001347706.2); c.804G>A, p.Met268Ile (NM_001347707.2, NM_001347708.2); short protein forms M268I, M307I, M451I, M466I.
Identifiers: ClinVar variation 3616434 (VCV003616434.2).